The following is an entry in ClinVar:

ClinVar aggregate classification (germline): Uncertain significance (1 of 4 stars; one submission).

Allele frequency attached by ClinVar (database versions not stated): gnomAD 0.00001.
gnomAD v4.1: 1 of 1,613,050 alleles (0.000062%); highest among the groups gnomAD compares: African/African-American, 0.0013%; no homozygotes.

Submission:

GeneDx
Classification: Uncertain significance. Last evaluated: 2023-12-07. Review status: criteria provided, single submitter. Criteria: GeneDx Variant Classification Process June 2021. Collection method: clinical testing. Allele origin: germline. Affected: yes.
Comment: Not observed at significant frequency in large population cohorts (gnomAD); In silico analysis supports that this missense variant does not alter protein structure/function; Has not been previously published as pathogenic or benign to our knowledge

NM_057175.5(NAA15):c.2588C>T (p.Ala863Val)

Gene: NAA15 (N-alpha-acetyltransferase 15, NatA auxiliary subunit; plus strand). Cytogenetic location: 4q31.1.
Variant type: single nucleotide variant.
Coding change: c.2588C>T on transcript NM_057175.5 (MANE Select); coding-DNA position 2588, C replaced by T.
Protein change: p.Ala863Val; replaces alanine 863 with valine.
Molecular consequence: missense variant.
Genome position (GRCh38, 1-based): chr4:139,388,071, C>T. VCF-style: chr4-139388071-C-T. GRCh37 (hg19) VCF-style: chr4-140309225-C-T.
Other names: c.2585C>T, p.Ala862Val (NM_001410842.1); short protein forms A862V, A863V.
Identifiers: ClinVar variation 3252432 (VCV003252432.1), dbSNP rs1490062734.